The following is an entry in ClinVar:

NM_001126108.2(SLC12A3):c.*664G>C

Gene: SLC12A3 (solute carrier family 12 member 3; plus strand). Cytogenetic location: 16q13.
Variant type: single nucleotide variant.
Coding change: c.*664G>C on transcript NM_001126108.2 (MANE Select); 664 bases downstream of the stop codon, G replaced by C.
Molecular consequence: 3 prime UTR variant.
Genome position (GRCh38, 1-based): chr16:56,914,069, G>C. VCF-style: chr16-56914069-G-C. GRCh37 (hg19) VCF-style: chr16-56947981-G-C.
Other names: c.*664G>C (NM_000339.3, NM_001126107.2).
Identifiers: ClinVar variation 319938 (VCV000319938.6), dbSNP rs5808, ClinGen allele CA10648652.

ClinVar aggregate classification (germline): Benign. Review status: criteria provided, multiple submitters, no conflicts (2 of 4 stars). 2 submissions from 2 submitters: Benign (2). Last evaluated 2018-01-13.

Conditions:
Familial hypokalemia-hypomagnesemia (GTLMNS). Also called: gitelman syndrome; HYPOMAGNESEMIA-HYPOKALEMIA, PRIMARY RENOTUBULAR, WITH HYPOCALCIURIA; POTASSIUM AND MAGNESIUM DEPLETION. Identifiers: Orphanet 358, MedGen C0268450, MONDO:0009904, OMIM 263800.

Allele frequency attached by ClinVar (database versions not stated): gnomAD exomes 0.51111; 1000 Genomes Project 0.59125; 1000 Genomes Project 30x 0.59884; TOPMed 0.62266; gnomAD 0.62518.
gnomAD v4.1: 94,395 of 152,088 alleles (62%); highest among the groups gnomAD compares: African/African-American, 81%; 30,592 homozygotes.

Submissions (2):

Illumina Laboratory Services, Illumina
Classification: Benign for Familial hypokalemia-hypomagnesemia. Last evaluated: 2018-01-13. Review status: criteria provided, single submitter. Criteria: ICSL Variant Classification Criteria 13 December 2019. Collection method: clinical testing. Allele origin: germline.
Comment: This variant was observed in the ICSL laboratory as part of a predisposition screen in an ostensibly healthy population. It had not been previously curated by ICSL or reported in the Human Gene Mutation Database (HGMD: prior to June 1st, 2018), and was therefore a candidate for classification through an automated scoring system. Utilizing variant allele frequency, disease prevalence and penetrance estimates, and inheritance mode, an automated score was calculated to assess if this variant is too frequent to cause the disease. Based on the score and internal cut-off values, a variant classified as benign is not then subjected to further curation. The score for this variant resulted in a classification of benign for this disease.

Breakthrough Genomics
Classification: Benign. Review status: criteria provided, single submitter. Criteria: ACMG Guidelines, 2015. Collection method: not provided. Allele origin: germline. Inheritance: Autosomal recessive inheritance. Affected: yes.